The following is an entry in ClinVar:

NM_001267550.2(TTN):c.44387G>A (p.Trp14796Ter)

Gene: TTN (titin; minus strand). Cytogenetic location: 2q31.2.
Variant type: single nucleotide variant.
Coding change: c.44387G>A on transcript NM_001267550.2 (MANE Select); coding-DNA position 44387, G replaced by A.
Protein change: p.Trp14796Ter; replaces tryptophan 14796 with a stop codon.
Molecular consequence: nonsense.
Genome position (GRCh38, 1-based): chr2:178,629,338, C>T on the plus strand (G>A on the coding strand, the complement: TTN is on the minus strand). VCF-style: chr2-178629338-C-T. GRCh37 (hg19) VCF-style: chr2-179494065-C-T.
Other names: c.39464G>A, p.Trp13155Ter (NM_001256850.1); c.17192G>A, p.Trp5731Ter (NM_003319.4); c.36683G>A, p.Trp12228Ter (NM_133378.4); c.17567G>A, p.Trp5856Ter (NM_133432.3); c.17768G>A, p.Trp5923Ter (NM_133437.4); short protein forms W12228*, W13155*, W14796*, W5731*, W5856*, W5923*.
Identifiers: ClinVar variation 3759361 (VCV003759361.2).

ClinVar aggregate classification (germline): Likely pathogenic (1 of 4 stars; one submission).

Conditions:
Dilated cardiomyopathy 1G (CMD1G). Identifiers: Orphanet 154, MedGen C1858763, MONDO:0011400, OMIM 604145.
Autosomal recessive limb-girdle muscular dystrophy type 2J (LGMDR10). Also called: Limb-girdle muscular dystrophy, type 2J; MUSCULAR DYSTROPHY, LIMB-GIRDLE, AUTOSOMAL RECESSIVE 10. Identifiers: Orphanet 140922, MedGen C1837342, MONDO:0012127, OMIM 608807.

Submission:

Labcorp Genetics (formerly Invitae), Labcorp
Classification: Likely pathogenic for Dilated cardiomyopathy 1G; Autosomal recessive limb-girdle muscular dystrophy type 2J. Last evaluated: 2024-10-04. Review status: criteria provided, single submitter. Criteria: Invitae Variant Classification Sherloc (09022015). Collection method: clinical testing. Allele origin: germline.
Comment: This sequence change creates a premature translational stop signal (p.Trp14796*) in the TTN gene. While this is not anticipated to result in nonsense mediated decay, it is expected to create a truncated TTN protein. This variant is present in population databases (rs746132179, gnomAD 0.01%). This variant has not been reported in the literature in individuals affected with TTN-related conditions. This variant is located in the I band of TTN (PMID: 25589632). Truncating variants in this region have been reported in individuals affected with autosomal recessive centronuclear myopathy (PMID: 23975875, internal data). Truncating variants in this region have also been identified in individuals affected with autosomal dominant dilated cardiomyopathy and/or cardio-related conditions (PMID: 27869827, 32964742, internal data). In summary, the currently available evidence indicates that the variant is pathogenic, but additional data are needed to prove that conclusively. Therefore, this variant has been classified as Likely Pathogenic.

Literature cited by the submitters: PubMed 25589632; PubMed 23975875; PubMed 27869827; PubMed 32964742.